The following is an entry in ClinVar:

ClinVar aggregate classification (germline): Uncertain significance. Review status: criteria provided, multiple submitters, no conflicts (2 of 4 stars). 2 submissions from 2 submitters: Uncertain significance (2). Last evaluated 2024-06-10.

Conditions:
Hereditary cancer-predisposing syndrome. Also called: Tumor predisposition; Neoplastic Syndromes, Hereditary; Hereditary Cancer Syndrome; Hereditary neoplastic syndrome. Identifiers: Orphanet 140162, MedGen C0027672, MeSH D009386, MONDO:0015356.
Gorlin syndrome. Also called: Nevoid Basal Cell Carcinoma Syndrome; Basal cell nevus syndrome. Identifiers: Orphanet 377, MedGen C0004779, MONDO:0007187.
Medulloblastoma (MDB). Also called: MEDULLOBLASTOMA PREDISPOSITION SYNDROME; Medulloblastoma, somatic. Identifiers: Orphanet 616, MedGen C0025149, MeSH D008527, MONDO:0007959, OMIM 155255, HP:0002885.

gnomAD v4.1: 1 of 1,614,258 alleles (0.000062%); highest among the groups gnomAD compares: Non-Finnish European, 0.000085%; no homozygotes.

Submissions (2):

Labcorp Genetics (formerly Invitae), Labcorp
Classification: Uncertain significance for Gorlin syndrome; Medulloblastoma. Last evaluated: 2024-06-10. Review status: criteria provided, single submitter. Criteria: Invitae Variant Classification Sherloc (09022015). Collection method: clinical testing. Allele origin: germline.
Comment: This sequence change replaces glutamic acid, which is acidic and polar, with aspartic acid, which is acidic and polar, at codon 438 of the SUFU protein (p.Glu438Asp). This variant is not present in population databases (gnomAD no frequency). This variant has not been reported in the literature in individuals affected with SUFU-related conditions. ClinVar contains an entry for this variant (Variation ID: 1769759). Advanced modeling of protein sequence and biophysical properties (such as structural, functional, and spatial information, amino acid conservation, physicochemical variation, residue mobility, and thermodynamic stability) performed at Invitae indicates that this missense variant is not expected to disrupt SUFU protein function with a negative predictive value of 80%. In summary, the available evidence is currently insufficient to determine the role of this variant in disease. Therefore, it has been classified as a Variant of Uncertain Significance.

Ambry Genetics
Classification: Uncertain significance for Hereditary cancer-predisposing syndrome. Last evaluated: 2024-02-16. Review status: criteria provided, single submitter. Criteria: Ambry Variant Classification Scheme 2023. Collection method: clinical testing. Allele origin: germline.
Comment: The p.E438D variant (also known as c.1314G>C), located in coding exon 11 of the SUFU gene, results from a G to C substitution at nucleotide position 1314. The glutamic acid at codon 438 is replaced by aspartic acid, an amino acid with highly similar properties. This amino acid position is highly conserved in available vertebrate species. In addition, this alteration is predicted to be tolerated by in silico analysis. Since supporting evidence is limited at this time, the clinical significance of this alteration remains unclear.

NM_016169.4(SUFU):c.1314G>C (p.Glu438Asp)

Gene: SUFU (SUFU negative regulator of hedgehog signaling; plus strand). Cytogenetic location: 10q24.32.
Variant type: single nucleotide variant.
Coding change: c.1314G>C on transcript NM_016169.4 (MANE Select); coding-DNA position 1314, G replaced by C.
Protein change: p.Glu438Asp; replaces glutamic acid 438 with aspartic acid.
Molecular consequence: missense variant.
Genome position (GRCh38, 1-based): chr10:102,627,192, G>C. VCF-style: chr10-102627192-G-C. GRCh37 (hg19) VCF-style: chr10-104386949-G-C.
Other names: short protein forms E438D.
Identifiers: ClinVar variation 1769759 (VCV001769759.5), dbSNP rs1394954348, ClinGen allele CA377918754.